The following is an entry in ClinVar:

NM_000744.7(CHRNA4):c.632T>C (p.Ile211Thr)

Gene: CHRNA4 (cholinergic receptor nicotinic alpha 4 subunit; minus strand). Cytogenetic location: 20q13.33.
Variant type: single nucleotide variant.
Coding change: c.632T>C on transcript NM_000744.7 (MANE Select); coding-DNA position 632, T replaced by C.
Protein change: p.Ile211Thr; replaces isoleucine 211 with threonine.
Molecular consequence: missense variant. On other transcripts: non-coding transcript variant (1).
Genome position (GRCh38, 1-based): chr20:63,350,779, A>G on the plus strand (T>C on the coding strand, the complement: CHRNA4 is on the minus strand). VCF-style: chr20-63350779-A-G. GRCh37 (hg19) VCF-style: chr20-61982131-A-G.
Other names: c.104T>C, p.Ile35Thr (NM_001256573.2); short protein forms I211T, I35T.
Identifiers: ClinVar variation 2502033 (VCV002502033.1), dbSNP rs138926102, ClinGen allele CA9957766.
Genomic context (GRCh38, chr20:63,350,779, plus strand): 5'-GGGTAGATCTCGGCACAGCACTCGTACTTCCTGGTGTTGTAGGTGCCCACGGCATCCACG[A>G]TGACCCACTCGCCACTCTCCCAGAAGTCCAGCTGGTCCACGCGGCTGTGCATGTTCACCA-3'
Protein context (NP_000735.1, residues 201-221): LDFWESGEWV[Ile211Thr]VDAVGTYNTR

ClinVar aggregate classification (germline): Uncertain significance (1 of 4 stars; one submission).

Allele frequency attached by ClinVar (database versions not stated): TOPMed below 0.00001; gnomAD exomes 0.00001; ExAC 0.00002; ESP Exome Variant Server 0.00008.

Submission:

GeneDx
Classification: Uncertain significance. Last evaluated: 2022-11-14. Review status: criteria provided, single submitter. Criteria: GeneDx Variant Classification Process June 2021. Collection method: clinical testing. Allele origin: germline. Affected: yes.
Comment: In silico analysis supports that this missense variant has a deleterious effect on protein structure/function; Has not been previously published as pathogenic or benign to our knowledge